The following is an entry in ClinVar:

NM_014363.6(SACS):c.1537A>G (p.Ile513Val)

Gene: SACS (sacsin molecular chaperone; minus strand). Cytogenetic location: 13q12.12.
Variant type: single nucleotide variant.
Coding change: c.1537A>G on transcript NM_014363.6 (MANE Select); coding-DNA position 1537, A replaced by G.
Protein change: p.Ile513Val; replaces isoleucine 513 with valine.
Molecular consequence: missense variant.
Genome position (GRCh38, 1-based): chr13:23,355,075, T>C on the plus strand (A>G on the coding strand, the complement: SACS is on the minus strand). VCF-style: chr13-23355075-T-C. GRCh37 (hg19) VCF-style: chr13-23929214-T-C.
Other names: c.1096A>G, p.Ile366Val (NM_001278055.2); short protein forms I513V, I366V.
Identifiers: ClinVar variation 1963186 (VCV001963186.22), dbSNP rs199806204, ClinGen allele CA6911902.

ClinVar aggregate classification (germline): Conflicting classifications of pathogenicity. Review status: criteria provided, conflicting classifications (1 of 4 stars). 2 submissions from 2 submitters: Uncertain significance (1); Benign (1). Last evaluated 2025-09-02.

Conditions:
Spastic paraplegia. Identifiers: MedGen C0037772, HP:0001258.

Allele frequency attached by ClinVar (database versions not stated): ExAC 0.00002; gnomAD exomes 0.00002; TOPMed 0.00004; gnomAD 0.00005; 1000 Genomes Project 30x 0.00016; 1000 Genomes Project 0.00020.
gnomAD v4.1: 35 of 1,614,240 alleles (0.0022%); highest among the groups gnomAD compares: East Asian, 0.027%; no homozygotes.

Submissions (2):

Labcorp Genetics (formerly Invitae), Labcorp
Classification: Benign for Spastic paraplegia. Last evaluated: 2025-09-02. Review status: criteria provided, single submitter. Criteria: Invitae Variant Classification Sherloc (09022015). Collection method: clinical testing. Allele origin: germline.

CeGaT Center for Human Genetics Tuebingen
Classification: Uncertain significance. Last evaluated: 2024-07-01. Review status: criteria provided, single submitter. Criteria: CeGaT Center For Human Genetics Tuebingen Variant Classification Criteria Version 2. Collection method: clinical testing. Allele origin: germline. Affected: yes. Observed: 1 variant allele.
Comment: SACS: PM2, BP4